The following is an entry in ClinVar:

ClinVar aggregate classification (germline): Uncertain significance (1 of 4 stars; one submission).

Conditions:
Gnathodiaphyseal dysplasia (GDD). Also called: GNATHODIAPHYSEAL SCLEROSIS; OSTEOGENESIS IMPERFECTA WITH UNUSUAL SKELETAL LESIONS. Identifiers: Orphanet 53697, MedGen C1833736, MONDO:0008151, OMIM 166260.
Autosomal recessive limb-girdle muscular dystrophy type 2L (LGMDR12). Also called: Limb-girdle muscular dystrophy, type 2L; MUSCULAR DYSTROPHY, LIMB-GIRDLE, AUTOSOMAL RECESSIVE 12; Limb-Girdle Muscular Dystrophy R12 Anoctamin-5-Related (LGMD-R12). Identifiers: Orphanet 206549, MedGen C1969785, MONDO:0012652, OMIM 611307.

Allele frequency attached by ClinVar (database versions not stated): gnomAD exomes below 0.00001; TOPMed below 0.00001; ExAC 0.00001; ESP Exome Variant Server 0.00008.

Submission:

Labcorp Genetics (formerly Invitae), Labcorp
Classification: Uncertain significance for Autosomal recessive limb-girdle muscular dystrophy type 2L; Gnathodiaphyseal dysplasia. Last evaluated: 2023-05-25. Review status: criteria provided, single submitter. Criteria: Invitae Variant Classification Sherloc (09022015). Collection method: clinical testing. Allele origin: germline.
Comment: This variant has not been reported in the literature in individuals affected with ANO5-related conditions. In summary, the available evidence is currently insufficient to determine the role of this variant in disease. Therefore, it has been classified as a Variant of Uncertain Significance. Advanced modeling of protein sequence and biophysical properties (such as structural, functional, and spatial information, amino acid conservation, physicochemical variation, residue mobility, and thermodynamic stability) performed at Invitae indicates that this missense variant is expected to disrupt ANO5 protein function. The frequency data for this variant in the population databases is considered unreliable, as metrics indicate poor data quality at this position in the gnomAD database. This sequence change replaces glycine, which is neutral and non-polar, with arginine, which is basic and polar, at codon 76 of the ANO5 protein (p.Gly76Arg).

NM_213599.3(ANO5):c.226G>A (p.Gly76Arg)

Gene: ANO5 (anoctamin 5; plus strand). Cytogenetic location: 11p14.3.
Variant type: single nucleotide variant.
Coding change: c.226G>A on transcript NM_213599.3 (MANE Select); coding-DNA position 226, G replaced by A.
Protein change: p.Gly76Arg; replaces glycine 76 with arginine.
Molecular consequence: missense variant.
Genome position (GRCh38, 1-based): chr11:22,221,142, G>A. VCF-style: chr11-22221142-G-A. GRCh37 (hg19) VCF-style: chr11-22242688-G-A.
Other names: c.223G>A, p.Gly75Arg (NM_001142649.2); c.184G>A, p.Gly62Arg (NM_001410963.1); c.181G>A, p.Gly61Arg (NM_001410964.1); short protein forms G61R, G75R, G62R, G76R.
Identifiers: ClinVar variation 2931805 (VCV002931805.3), dbSNP rs368652492, ClinGen allele CA5922842.